The following is an entry in ClinVar:

NM_002519.3(NPAT):c.4133G>A (p.Arg1378His)

Gene: NPAT (nuclear protein, coactivator of histone transcription; minus strand). Cytogenetic location: 11q22.3.
Variant type: single nucleotide variant.
Coding change: c.4133G>A on transcript NM_002519.3 (MANE Select); coding-DNA position 4133, G replaced by A.
Protein change: p.Arg1378His; replaces arginine 1378 with histidine.
Molecular consequence: missense variant.
Genome position (GRCh38, 1-based): chr11:108,160,953, C>T on the plus strand (G>A on the coding strand, the complement: NPAT is on the minus strand). VCF-style: chr11-108160953-C-T. GRCh37 (hg19) VCF-style: chr11-108031680-C-T.
Other names: c.4154G>A, p.Arg1385His (NM_001321307.1); short protein forms R1385H, R1378H.
Identifiers: ClinVar variation 1738099 (VCV001738099.7), dbSNP rs200762365, ClinGen allele CA6263474.

ClinVar aggregate classification (germline): Conflicting classifications of pathogenicity. Review status: criteria provided, conflicting classifications (1 of 4 stars). 2 submissions from 2 submitters: Uncertain significance (1); Likely benign (1). Last evaluated 2025-01-30.

Allele frequency attached by ClinVar (database versions not stated): gnomAD exomes 0.00006; TOPMed 0.00006; gnomAD 0.00007; ExAC 0.00012.
gnomAD v4.1: 95 of 1,614,116 alleles (0.0059%); highest among the groups gnomAD compares: Middle Eastern, 0.033%; no homozygotes.

Submissions (2):

Labcorp Genetics (formerly Invitae), Labcorp
Classification: Likely benign. Last evaluated: 2025-01-30. Review status: criteria provided, single submitter. Criteria: Invitae Variant Classification Sherloc (09022015). Collection method: clinical testing. Allele origin: germline.

Ambry Genetics
Classification: Uncertain significance. Last evaluated: 2022-09-26. Review status: criteria provided, single submitter. Criteria: Ambry Variant Classification Scheme 2023. Collection method: clinical testing. Allele origin: germline.
Comment: The p.R1378H variant (also known as c.4133G>A), located in coding exon 17 of the NPAT gene, results from a G to A substitution at nucleotide position 4133. The arginine at codon 1378 is replaced by histidine, an amino acid with highly similar properties. This amino acid position is conserved. In addition, this alteration is predicted to be tolerated by in silico analysis. Since supporting evidence is limited at this time, the clinical significance of this alteration remains unclear.